The following is an entry in ClinVar:

ClinVar aggregate classification (germline): Pathogenic (1 of 4 stars; one submission).

Conditions:
BAP1-related tumor predisposition syndrome (TPDS1). Also called: Tumor susceptibility linked to germline BAP1 mutations; BAP1 tumor predisposition syndrome; TUMOR PREDISPOSITION SYNDROME 1; COMMON Syndrome. Identifiers: Orphanet 289539, MedGen C3280492, MONDO:0013692, OMIM 614327.

Submission:

Myriad Genetics, Inc.
Classification: Pathogenic for BAP1-related tumor predisposition syndrome. Last evaluated: 2026-07-23. Review status: criteria provided, single submitter. Criteria: Myriad Autosomal Dominant, Autosomal Recessive and X-Linked Classification Criteria (2023). Collection method: clinical testing. Allele origin: unknown.
Comment: This variant is considered pathogenic. This variant creates a frameshift predicted to result in premature protein truncation.

NM_004656.4(BAP1):c.466dup (p.Gln156fs)

Gene: BAP1 (BRCA1 associated deubiquitinase 1; minus strand). Cytogenetic location: 3p21.1.
Variant type: Duplication.
Coding change: c.466dup on transcript NM_004656.4 (MANE Select); coding-DNA position 466, one base duplicated (C; older notation c.466dupC).
Protein change: p.Gln156fs; shifts the reading frame from glutamine 156.
Molecular consequence: frameshift variant.
Genome position (GRCh38, 1-based): chr3:52,407,288, G duplicated on the plus strand (C on the coding strand, the reverse complement: BAP1 is on the minus strand). VCF-style (leftmost placement, unchanged base first): chr3-52407287-T-TG. GRCh37 (hg19) VCF-style: chr3-52441303-T-TG.
Other names: c.466dup, p.Gln156fs (NM_001410772.1); short protein forms Q156fs.
Identifiers: ClinVar variation 5042220 (VCV005042220.1).